The following is an entry in ClinVar:

NM_001286577.2(C2CD3):c.77C>T (p.Ser26Phe)

Gene: C2CD3 (C2 domain containing 3 centriole elongation regulator; minus strand). Cytogenetic location: 11q13.4.
Variant type: single nucleotide variant.
Coding change: c.77C>T on transcript NM_001286577.2 (MANE Select); coding-DNA position 77, C replaced by T.
Protein change: p.Ser26Phe; replaces serine 26 with phenylalanine.
Molecular consequence: missense variant.
Genome position (GRCh38, 1-based): chr11:74,168,592, G>A on the plus strand (C>T on the coding strand, the complement: C2CD3 is on the minus strand). VCF-style: chr11-74168592-G-A. GRCh37 (hg19) VCF-style: chr11-73879637-G-A.
Other names: c.77C>T, p.Ser26Phe (NM_015531.6); short protein forms S26F.
Identifiers: ClinVar variation 2969914 (VCV002969914.3), dbSNP rs1367907014, ClinGen allele CA381826291.

ClinVar aggregate classification (germline): Uncertain significance (1 of 4 stars; one submission).

Allele frequency attached by ClinVar (database versions not stated): gnomAD 0.00001; gnomAD exomes 0.00001.

Submission:

Labcorp Genetics (formerly Invitae), Labcorp
Classification: Uncertain significance. Last evaluated: 2022-12-01. Review status: criteria provided, single submitter. Criteria: Invitae Variant Classification Sherloc (09022015). Collection method: clinical testing. Allele origin: germline.
Comment: In summary, the available evidence is currently insufficient to determine the role of this variant in disease. Therefore, it has been classified as a Variant of Uncertain Significance. Advanced modeling of protein sequence and biophysical properties (such as structural, functional, and spatial information, amino acid conservation, physicochemical variation, residue mobility, and thermodynamic stability) performed at Invitae indicates that this missense variant is expected to disrupt C2CD3 protein function. This variant has not been reported in the literature in individuals affected with C2CD3-related conditions. The frequency data for this variant in the population databases is considered unreliable, as metrics indicate poor data quality at this position in the gnomAD database. This sequence change replaces serine, which is neutral and polar, with phenylalanine, which is neutral and non-polar, at codon 26 of the C2CD3 protein (p.Ser26Phe).